The following is an entry in ClinVar:

NM_000059.4(BRCA2):c.4718G>T (p.Cys1573Phe)

Gene: BRCA2 (BRCA2 DNA repair associated; plus strand). Cytogenetic location: 13q13.1.
Variant type: single nucleotide variant.
Coding change: c.4718G>T on transcript NM_000059.4 (MANE Select); coding-DNA position 4718, G replaced by T.
Protein change: p.Cys1573Phe; replaces cysteine 1573 with phenylalanine.
Molecular consequence: missense variant. On other transcripts: non-coding transcript variant (1), intron variant (2).
Genome position (GRCh38, 1-based): chr13:32,339,073, G>T. VCF-style: chr13-32339073-G-T. GRCh37 (hg19) VCF-style: chr13-32913210-G-T.
Other names: c.4718G>T, p.Cys1573Phe (NM_001406719.1, NM_001406720.1, NM_001432077.1); c.1910-5485G>T (NM_001406721.1); c.425-5485G>T (NM_001406722.1); short protein forms C1573F.
Identifiers: ClinVar variation 3636482 (VCV003636482.3).

ClinVar aggregate classification (germline): Uncertain significance. Review status: criteria provided, multiple submitters, no conflicts (2 of 4 stars). 2 submissions from 2 submitters: Uncertain significance (2). Last evaluated 2024-05-31.

Conditions:
Hereditary breast ovarian cancer syndrome. Also called: Hereditary breast and/or ovarian cancer syndrome; Hereditary breast and ovarian cancer syndrome; Hereditary breast and ovarian cancer syndrome (HBOC); BRCA1- and BRCA2-Associated Hereditary Breast and Ovarian Cancer; Hereditary breast and ovarian cancer; Breast and ovarian cancer. Identifiers: Orphanet 145, MedGen C0677776, MeSH D061325, MONDO:0003582. Disease mechanism: loss of function.

gnomAD v4.1: 1 of 1,613,860 alleles (0.000062%); highest among the groups gnomAD compares: Non-Finnish European, 0.000085%; no homozygotes.

Submissions (2):

Labcorp Genetics (formerly Invitae), Labcorp
Classification: Uncertain significance for Hereditary breast ovarian cancer syndrome. Last evaluated: 2024-05-31. Review status: criteria provided, single submitter. Criteria: Invitae Variant Classification Sherloc (09022015). Collection method: clinical testing. Allele origin: germline.
Comment: This sequence change replaces cysteine, which is neutral and slightly polar, with phenylalanine, which is neutral and non-polar, at codon 1573 of the BRCA2 protein (p.Cys1573Phe). This variant is not present in population databases (gnomAD no frequency). This variant has not been reported in the literature in individuals affected with BRCA2-related conditions. Advanced modeling of protein sequence and biophysical properties (such as structural, functional, and spatial information, amino acid conservation, physicochemical variation, residue mobility, and thermodynamic stability) performed at Invitae indicates that this missense variant is not expected to disrupt BRCA2 protein function with a negative predictive value of 95%. In summary, the available evidence is currently insufficient to determine the role of this variant in disease. Therefore, it has been classified as a Variant of Uncertain Significance.

Blueprint Genetics
Classification: Uncertain significance. Last evaluated: 2024-04-08. Review status: criteria provided, single submitter. Criteria: ACMG Guidelines, 2015. Collection method: clinical testing. Allele origin: germline.